The following is an entry in ClinVar:

NM_000475.5(NR0B1):c.1153G>A (p.Val385Met)

Gene: NR0B1 (nuclear receptor subfamily 0 group B member 1; minus strand). Cytogenetic location: Xp21.2.
Variant type: single nucleotide variant.
Coding change: c.1153G>A on transcript NM_000475.5 (MANE Select); coding-DNA position 1153, G replaced by A.
Protein change: p.Val385Met; replaces valine 385 with methionine.
Molecular consequence: missense variant.
Genome position (GRCh38, 1-based): chrX:30,308,211, C>T on the plus strand (G>A on the coding strand, the complement: NR0B1 is on the minus strand). VCF-style: chrX-30308211-C-T. GRCh37 (hg19) VCF-style: chrX-30326328-C-T.
Other names: short protein forms V385M.
Identifiers: ClinVar variation 4853774 (VCV004853774.1).
Genomic context (GRCh38, chrX:30,308,211, plus strand): 5'-TTTTGTGAGCTGGGAAAAGCCGGCGCCTAAGGCCAGTACCCTTACCCGGGTTAAAGAGCA[C>T]GGTCCCCTTGAGGTAGGCGTACTCCTTGGTACTGATGTTCAGACTCCAGCATTTGGAAAG-3'
Protein context (NP_000466.2, residues 375-395): TKEYAYLKGT[Val385Met]LFNPDVPGLQ

ClinVar aggregate classification (germline): Uncertain significance (1 of 4 stars; one submission).

gnomAD v4.1: 2 of 1,208,941 alleles (0.00017%); highest among the groups gnomAD compares: Non-Finnish European, 0.00022%; no homozygotes.

Submission:

Women's Health and Genetics/Laboratory Corporation of America, LabCorp
Classification: Uncertain significance. Last evaluated: 2026-05-20. Review status: criteria provided, single submitter. Criteria: LabCorp Variant Classification Summary - May 2015. Collection method: clinical testing. Allele origin: germline.
Comment: Variant summary: NR0B1 c.1153G>A (p.Val385Met) results in a conservative amino acid change in the encoded protein sequence. Algorithms developed to predict the effect of missense changes on protein structure and function are either unavailable or do not agree on the potential impact of this missense change. The variant was absent in 183250 control chromosomes (gnomAD). The available data on variant occurrences in the general population are insufficient to allow any conclusion about variant significance. To our knowledge, no occurrence of c.1153G>A in individuals affected with NR0B1-related conditions and no experimental evidence demonstrating its impact on protein function have been reported. No submitters have cited clinical-significance assessments for this variant to ClinVar. Based on the evidence outlined above, the variant was classified as uncertain significance.